The following is an entry in ClinVar:

ClinVar aggregate classification (germline): Uncertain significance (1 of 4 stars; one submission).

Conditions:
Nemaline myopathy 2 (NEM2). Also called: Nemaline myopathy 2, autosomal recessive. Identifiers: MedGen C1850569, MONDO:0009725, OMIM 256030.

Submission:

Neuberg Centre For Genomic Medicine, NCGM
Classification: Uncertain significance for Nemaline myopathy 2. Review status: criteria provided, single submitter. Criteria: ACMG Guidelines, 2015. Collection method: clinical testing. Allele origin: germline. Affected: yes.
Comment: The missense variant p.S8165T in NEB (NM_001271208.2) has not been reported previously as a pathogenic variant nor as a benign variant, to our knowledge. The p.S8165T variant is novel (not in any individuals) in gnomAD Exomes and is novel (not in any individuals) in 1000 Genomes. The observed number of missense variations in the NEB gene in the gnomAD database are higher than expected and hence there is a possibility that missense variants may not be disease causing unless corroborated by functional studies. The p.S8165T missense variant is predicted to be damaging by both SIFT and PolyPhen2. The serine residue at codon 8165 of NEB is conserved in all mammalian species. The nucleotide c.24494 in NEB is predicted conserved by GERP++ and PhyloP across 100 vertebrates. For these reasons, this variant has been classified as Uncertain Significance.

NM_001164508.2(NEB):c.24389G>C (p.Ser8130Thr)

Genes: NEB (nebulin; minus strand), RIF1 (replication timing regulatory factor 1; plus strand). Cytogenetic location: 2q23.3.
Variant type: single nucleotide variant.
Coding change: c.24389G>C on transcript NM_001164508.2 (MANE Select); coding-DNA position 24389, G replaced by C.
Protein change: p.Ser8130Thr; replaces serine 8130 with threonine.
Molecular consequence: missense variant. On other transcripts: intron variant (1).
Genome position (GRCh38, 1-based): chr2:151,496,945, C>G on the plus strand (G>C on the coding strand, the complement: NEB is on the minus strand). VCF-style: chr2-151496945-C-G. GRCh37 (hg19) VCF-style: chr2-152353459-C-G.
Other names: c.24389G>C, p.Ser8130Thr (NM_001164507.2); c.24494G>C, p.Ser8165Thr (NM_001271208.2); c.18826-577G>C (NM_004543.5); short protein forms S8130T, S8165T.
Identifiers: ClinVar variation 1339031 (VCV001339031.2), dbSNP rs2152954710, ClinGen allele CA348778464.